The following is an entry in ClinVar:

NC_000017.10:g.(41199721_41201137)_(41203135_41209068)dup

Gene: BRCA1 (BRCA1 DNA repair associated; minus strand). Cytogenetic location: 17q21.31.
Variant type: Duplication.
Identifiers: ClinVar variation 3063931 (VCV003063931.1).

ClinVar aggregate classification (germline): Likely pathogenic (1 of 4 stars; one submission).

Conditions:
Hereditary breast ovarian cancer syndrome. Also called: Hereditary breast and/or ovarian cancer syndrome; Hereditary breast and ovarian cancer syndrome (HBOC); Breast and ovarian cancer; BRCA1- and BRCA2-Associated Hereditary Breast and Ovarian Cancer; Hereditary breast and ovarian cancer; Hereditary breast and ovarian cancer syndrome. Identifiers: Orphanet 145, MedGen C0677776, MeSH D061325, MONDO:0003582. Disease mechanism: loss of function.

Submission:

Women's Health and Genetics/Laboratory Corporation of America, LabCorp
Classification: Likely pathogenic for Hereditary breast ovarian cancer syndrome. Last evaluated: 2024-01-15. Review status: criteria provided, single submitter. Criteria: LabCorp Variant Classification Summary - May 2015. Collection method: clinical testing. Allele origin: germline.
Comment: Variant summary: The variant involves the duplication of exons 20-21 in the BRCA1 gene. A presumed nomenclature of c.(5277+1_5278-1)_(5406+1_5407-1)dup has been designated for the purposes of this classification. It is assumed to be a tandem duplication in direct orientation (Richardson_GIM_2018, Newman_AJHG_2015). This Copy Number Variant (CNV) is predicted to result in an in-frame duplication within this gene. The variant affects the BRCT domain (IPR001357), which has a well-defined, tightly packed three-dimensional structure, and is crucial for BRCA1 function (PMIDs: 22193408, 11573086). The variant was absent in 119826 control chromosomes in the gnomAD database (Structural Variants v4.0 dataset). Copy number gains of exons 20-21 in the BRCA1 gene have been reported in the literature in multiple individuals with a personal and/or family history of breast and/or ovarian cancer (e.g. de la Hoya_2006, Jackson_2014, Rebbeck_2018). These data indicate that the variant is likely to be associated with disease. To our knowledge, no experimental evidence demonstrating an impact on protein function has been reported. ClinVar contains an entry for this variant (Variation ID: 648522). Based on the evidence outlined above, the variant was classified as likely pathogenic.

Literature cited by the submitters: PubMed 16793929; PubMed 24522996; PubMed 29446198.